The following is an entry in ClinVar:

ClinVar aggregate classification (germline): Uncertain significance. Review status: criteria provided, multiple submitters, no conflicts (2 of 4 stars). 2 submissions from 2 submitters: Uncertain significance (2). Last evaluated 2026-01-19.

Conditions:
Cardiovascular phenotype. Identifiers: MedGen CN230736.
RASopathy. Also called: rasopathies; Noonan spectrum disorder. Identifiers: Orphanet 536391, MedGen C5555857, MONDO:0021060.

Allele frequency attached by ClinVar (database versions not stated): gnomAD 0.00001; gnomAD exomes 0.00001; TOPMed below 0.00001.
gnomAD v4.1: 12 of 1,612,784 alleles (0.00074%); highest among the groups gnomAD compares: African/African-American, 0.0013%; no homozygotes.

Submissions (2):

Labcorp Genetics (formerly Invitae), Labcorp
Classification: Uncertain significance for RASopathy. Last evaluated: 2026-01-19. Review status: criteria provided, single submitter. Criteria: Invitae Variant Classification Sherloc (09022015). Collection method: clinical testing. Allele origin: germline.
Comment: This sequence change replaces phenylalanine, which is neutral and non-polar, with tyrosine, which is neutral and polar, at codon 407 of the SOS1 protein (p.Phe407Tyr). The frequency data for this variant in the population databases is considered unreliable, as metrics indicate poor data quality at this position in the gnomAD database. This variant has not been reported in the literature in individuals affected with SOS1-related conditions. ClinVar contains an entry for this variant (Variation ID: 1753021). Invitae Evidence Modeling of protein sequence and biophysical properties (such as structural, functional, and spatial information, amino acid conservation, physicochemical variation, residue mobility, and thermodynamic stability) has been performed for this missense variant. However, the output from this modeling did not meet the statistical confidence thresholds required to predict the impact of this variant on SOS1 protein function. In summary, the available evidence is currently insufficient to determine the role of this variant in disease. Therefore, it has been classified as a Variant of Uncertain Significance.

Ambry Genetics
Classification: Uncertain significance for Cardiovascular phenotype. Last evaluated: 2019-09-09. Review status: criteria provided, single submitter. Criteria: Ambry Variant Classification Scheme 2023. Collection method: clinical testing. Allele origin: germline.
Comment: The p.F407Y variant (also known as c.1220T>A), located in coding exon 10 of the SOS1 gene, results from a T to A substitution at nucleotide position 1220. The phenylalanine at codon 407 is replaced by tyrosine, an amino acid with highly similar properties. This amino acid position is well conserved in available vertebrate species. In addition, the in silico prediction for this alteration is inconclusive. Since supporting evidence is limited at this time, the clinical significance of this alteration remains unclear.

NM_005633.4(SOS1):c.1220T>A (p.Phe407Tyr)

Gene: SOS1 (SOS Ras/Rac guanine nucleotide exchange factor 1; minus strand). Cytogenetic location: 2p22.1.
Variant type: single nucleotide variant.
Coding change: c.1220T>A on transcript NM_005633.4 (MANE Select); coding-DNA position 1220, T replaced by A.
Protein change: p.Phe407Tyr; replaces phenylalanine 407 with tyrosine.
Molecular consequence: missense variant.
Genome position (GRCh38, 1-based): chr2:39,023,208, A>T on the plus strand (T>A on the coding strand, the complement: SOS1 is on the minus strand). VCF-style: chr2-39023208-A-T. GRCh37 (hg19) VCF-style: chr2-39250349-A-T.
Other names: c.1199T>A, p.Phe400Tyr (NM_001382394.1); c.1220T>A, p.Phe407Tyr (NM_001382395.1); short protein forms F400Y, F407Y.
Identifiers: ClinVar variation 1753021 (VCV001753021.5), dbSNP rs1159603423, ClinGen allele CA346366683.